The following is an entry in ClinVar:

NM_002473.6(MYH9):c.4225G>A (p.Asp1409Asn)

Gene: MYH9 (myosin heavy chain 9; minus strand). Cytogenetic location: 22q12.3.
Variant type: single nucleotide variant.
Coding change: c.4225G>A on transcript NM_002473.6 (MANE Select); coding-DNA position 4225, G replaced by A.
Protein change: p.Asp1409Asn; replaces aspartic acid 1409 with asparagine.
Molecular consequence: missense variant.
Genome position (GRCh38, 1-based): chr22:36,292,105, C>T on the plus strand (G>A on the coding strand, the complement: MYH9 is on the minus strand). VCF-style: chr22-36292105-C-T. GRCh37 (hg19) VCF-style: chr22-36688151-C-T.
Other names: c.4225G>A (NM_002473.5); short protein forms D1409N.
Identifiers: ClinVar variation 164439 (VCV000164439.51), dbSNP rs34292387, ClinGen allele CA177099.
Genomic context (GRCh38, chr22:36,292,105, plus strand): 5'-GGTCCACCAGCAGGTCGTCCAGCTCCTGCTGCAGCCGCGTCTTGGTCTTCTCCAGCTTGT[C>T]GTAGGCGGCCACCTTCTCCTCGTGCCGCTGGCTCAGGCCCTCCAGGTCCTTCTGGAGCTT-3'
Protein context (NP_002464.1, residues 1399-1419): QRHEEKVAAY[Asp1409Asn]KLEKTKTRLQ

ClinVar aggregate classification (germline): Conflicting classifications of pathogenicity. Review status: criteria provided, conflicting classifications (1 of 4 stars). 12 submissions from 11 submitters: Uncertain significance (6); Benign (1); Likely benign (3). 2 of the submissions do not count toward it. Last evaluated 2026-06-02.

Conditions:
MYH9-related disorder. Identifiers: MedGen C1854520.
Meniere disease. Also called: Ménière's disease. Identifiers: MedGen C0025281, MONDO:0007972, OMIM 156000.
Autosomal dominant nonsyndromic hearing loss 17. Also called: Autosomal dominant nonsyndromic deafness 17; Deafness, autosomal dominant 17. Identifiers: Orphanet 90635, MedGen C1863659, MONDO:0011350, OMIM 603622.

Allele frequency attached by ClinVar (database versions not stated): gnomAD 0.00025 and 0.00027; ExAC 0.00026; gnomAD exomes 0.00030 and 0.00062; TOPMed 0.00036; ESP Exome Variant Server 0.00054.
gnomAD v4.1: 954 of 1,614,074 alleles (0.059%); highest among the groups gnomAD compares: Non-Finnish European, 0.074%; 2 homozygotes.

Submissions (12):

Women's Health and Genetics/Laboratory Corporation of America, LabCorp
Classification: Uncertain significance. Last evaluated: 2026-06-02. Review status: criteria provided, single submitter. Criteria: LabCorp Variant Classification Summary - May 2015. Collection method: clinical testing. Allele origin: germline.
Comment: Variant summary: MYH9 c.4225G>A (p.Asp1409Asn) results in a conservative amino acid change in the encoded protein sequence. Algorithms developed to predict the effect of missense changes on protein structure and function are either unavailable or do not agree on the potential impact of this missense change. The variant allele was found at a frequency of 0.0003 in 251414 control chromosomes (gnomAD). This frequency is not significantly higher than estimated for disease-causing variants in MYH9, allowing no conclusion about variant significance. c.4225G>A has been observed in individuals affected with Heritable bleeding and platelet disorders or Ovarian cancer (Westbury_2015, Adamson_2023). These reports do not provide unequivocal conclusions about association of the variant with disease. To our knowledge, no experimental evidence demonstrating an impact on protein function has been reported. The following publications have been ascertained in the context of this evaluation (PMID: 37460928, 25949529). ClinVar contains an entry for this variant (Variation ID: 164439). Based on the evidence outlined above, the variant was classified as uncertain significance.

CeGaT Center for Human Genetics Tuebingen
Classification: Likely benign. Last evaluated: 2026-05-01. Review status: criteria provided, single submitter. Criteria: CeGaT Center For Human Genetics Tuebingen Variant Classification Criteria Version 2. Collection method: clinical testing. Allele origin: germline. Affected: yes. Observed: 2 variant alleles.
Comment: MYH9: BS1

GeneDx
Classification: Uncertain significance. Last evaluated: 2026-01-29. Review status: criteria provided, single submitter. Criteria: GeneDx Variant Classification Process June 2021. Collection method: clinical testing. Allele origin: germline. Affected: yes.
Comment: Identified in patients with abnormal platelets in published literature; however, familial segregation information and additional clinical information were not included (PMID: 37460928, 29090586); In silico analysis supports that this missense variant has a deleterious effect on protein structure/function; This variant is associated with the following publications: (PMID: 29090586, 37460928, 25949529)

Labcorp Genetics (formerly Invitae), Labcorp
Classification: Likely benign. Last evaluated: 2026-01-07. Review status: criteria provided, single submitter. Criteria: Invitae Variant Classification Sherloc (09022015). Collection method: clinical testing. Allele origin: germline.

Blueprint Genetics
Classification: Likely benign. Last evaluated: 2024-08-28. Review status: criteria provided, single submitter. Criteria: ACMG Guidelines, 2015. Collection method: clinical testing. Allele origin: germline.

Mayo Clinic Laboratories, Mayo Clinic
Classification: Uncertain significance. Last evaluated: 2023-11-08. Review status: criteria provided, single submitter. Criteria: ACMG Guidelines, 2015. Collection method: clinical testing. Allele origin: germline. Observed: 1 variant allele.
Comment: BS1_moderate

Illumina Laboratory Services, Illumina
Classification: Uncertain significance for Autosomal dominant nonsyndromic hearing loss 17. Last evaluated: 2018-01-13. Review status: criteria provided, single submitter. Criteria: ICSL Variant Classification Criteria 13 December 2019. Collection method: clinical testing. Allele origin: germline.

Illumina Laboratory Services, Illumina
Classification: Benign for MYH9-related disorder. Last evaluated: 2018-01-13. Review status: criteria provided, single submitter. Criteria: ICSL Variant Classification Criteria 13 December 2019. Collection method: clinical testing. Allele origin: germline.
Comment: This variant was observed in the ICSL laboratory as part of a predisposition screen in an ostensibly healthy population. It had not been previously curated by ICSL or reported in the Human Gene Mutation Database (HGMD: prior to June 1st, 2018), and was therefore a candidate for classification through an automated scoring system. Utilizing variant allele frequency, disease prevalence and penetrance estimates, and inheritance mode, an automated score was calculated to assess if this variant is too frequent to cause the disease. Based on the score and internal cut-off values, a variant classified as benign is not then subjected to further curation. The score for this variant resulted in a classification of benign for this disease.

Eurofins Ntd Llc (ga)
Classification: Uncertain significance. Last evaluated: 2015-07-31. Review status: criteria provided, single submitter. Criteria: EGL Classification Definitions 2015. Collection method: clinical testing. Allele origin: germline. Observed: 2 variant alleles, 2 heterozygotes.

Laboratory for Molecular Medicine, Mass General Brigham Personalized Medicine
Classification: Uncertain significance. Last evaluated: 2013-04-16. Review status: criteria provided, single submitter. Criteria: LMM Criteria. Collection method: clinical testing. Allele origin: germline. Observed: 2 variant alleles.
Comment: Variant classified as Uncertain Significance - Favor Benign. The Asp1409Asn vari ant in MYH9 has not been reported in the literature nor previously identified by our laboratory. The variant has been seen in 0.07% (6/8600) of European America n chromosomes in a broad population by the NHLBI Exome Sequencing Project (rs142486910). Computational analyses (biochemical a mino acid properties, conservation, AlignGVGD, PolyPhen2, and SIFT) do not provi de strong support for or against an impact to the protein. In summary, a conclus ive interpretation of the impact of this variant cannot be determined but we wou ld lean towards a more likely benign role given the presence of the variant in t he general population which is less consistent with the dominant association of mutations in this gene.

PreventionGenetics, part of Exact Sciences
Classification: Uncertain significance for MYH9-related condition. Last evaluated: 2024-07-22. Review status: no assertion criteria provided. Collection method: clinical testing. Allele origin: germline. Not counted in ClinVar's aggregate classification.
Comment: The MYH9 c.4225G>A variant is predicted to result in the amino acid substitution p.Asp1409Asn. This variant was reported in an individual with a heritable bleeding and platelet disorder (Table 3. Westbury et al. 2015. PubMed ID: 25949529). This variant is reported in 0.049% of alleles in individuals of European (Non-Finnish) descent in gnomAD, which may be too common to be a primary cause of disease. Although we suspect that this variant may be benign, at this time, the clinical significance of this variant is uncertain due to the absence of conclusive functional and genetic evidence.

Center for Computational Biology & Bioinformatics, University of California, San Diego
Classification: Uncertain significance for Meniere disease. Last evaluated: 2024-06-03. Review status: no assertion criteria provided. Collection method: research. Allele origin: germline. Affected: yes. Not counted in ClinVar's aggregate classification.

Literature cited by the submitters: PubMed 25949529 (cited by Women's Health and Genetics/Laboratory Corporation of America, LabCorp and Mayo Clinic Laboratories, Mayo Clinic); PubMed 37460928 (cited by Women's Health and Genetics/Laboratory Corporation of America, LabCorp); PubMed 29090586 (cited by Mayo Clinic Laboratories, Mayo Clinic).